The following is an entry in ClinVar:

ClinVar aggregate classification (germline): Uncertain significance (1 of 4 stars; one submission).

Conditions:
Amelocerebrohypohidrotic syndrome (KTZS). Also called: EPILEPSY AND YELLOW TEETH; EPILEPSY, DEMENTIA, AND AMELOGENESIS IMPERFECTA; KOHLSCHUTTER SYNDROME; Kohlschutter's syndrome. Identifiers: Orphanet 1946, MedGen C0406740, MONDO:0009185, OMIM 226750.

gnomAD v4.1: 2 of 1,566,054 alleles (0.00013%); highest among the groups gnomAD compares: Non-Finnish European, 0.00017%; no homozygotes.

Submission:

Labcorp Genetics (formerly Invitae), Labcorp
Classification: Uncertain significance for Amelocerebrohypohidrotic syndrome. Last evaluated: 2023-12-11. Review status: criteria provided, single submitter. Criteria: Invitae Variant Classification Sherloc (09022015). Collection method: clinical testing. Allele origin: germline.
Comment: This sequence change replaces histidine, which is basic and polar, with tyrosine, which is neutral and polar, at codon 99 of the ROGDI protein (p.His99Tyr). The frequency data for this variant in the population databases is considered unreliable, as metrics indicate poor data quality at this position in the gnomAD database. This variant has not been reported in the literature in individuals affected with ROGDI-related conditions. ClinVar contains an entry for this variant (Variation ID: 1969131). An algorithm developed to predict the effect of missense changes on protein structure and function (PolyPhen-2) suggests that this variant is likely to be disruptive. In summary, the available evidence is currently insufficient to determine the role of this variant in disease. Therefore, it has been classified as a Variant of Uncertain Significance.

NM_024589.3(ROGDI):c.295C>T (p.His99Tyr)

Gene: ROGDI (rogdi atypical leucine zipper; minus strand). Cytogenetic location: 16p13.3.
Variant type: single nucleotide variant.
Coding change: c.295C>T on transcript NM_024589.3 (MANE Select); coding-DNA position 295, C replaced by T.
Protein change: p.His99Tyr; replaces histidine 99 with tyrosine.
Molecular consequence: missense variant. On other transcripts: non-coding transcript variant (1).
Genome position (GRCh38, 1-based): chr16:4,800,539, G>A on the plus strand (C>T on the coding strand, the complement: ROGDI is on the minus strand). VCF-style: chr16-4800539-G-A. GRCh37 (hg19) VCF-style: chr16-4850540-G-A.
Other names: short protein forms H99Y.
Identifiers: ClinVar variation 1969131 (VCV001969131.5), dbSNP rs1360724721, ClinGen allele CA394654206.
Genomic context (GRCh38, chr16:4,800,539, plus strand): 5'-CCAGGAGGGGCGGGGTCACCTGCTGCAGCTTCCACTGCTTGTCCTCCCGGAAGGCGAAGT[G>A]CAGCAGCTGGTTGTTCCGGGGCATCTTCAGGTTCACATCCTGACAGGCAAGAGTGGGGTG-3'
Protein context (NP_078865.1, residues 89-109): LKMPRNNQLL[His99Tyr]FAFREDKQWK